The following is an entry in ClinVar:

NM_022788.5(P2RY12):c.921T>A (p.Asn307Lys)

Genes: MED12L (mediator complex subunit 12L; plus strand), P2RY12 (purinergic receptor P2Y12; minus strand). Cytogenetic location: 3q25.1.
Variant type: single nucleotide variant.
Coding change: c.921T>A on transcript NM_022788.5 (MANE Select); coding-DNA position 921, T replaced by A.
Protein change: p.Asn307Lys; replaces asparagine 307 with lysine.
Molecular consequence: missense variant. On other transcripts: intron variant (2).
Genome position (GRCh38, 1-based): chr3:151,337,925, A>T on the plus strand (T>A on the coding strand, the complement: P2RY12 is on the minus strand). VCF-style: chr3-151337925-A-T. GRCh37 (hg19) VCF-style: chr3-151055713-A-T.
Other names: c.921T>A, p.Asn307Lys (NM_176876.3); c.2251-12134A>T (NM_001393769.1); c.2146-12134A>T (NM_053002.6); short protein forms N307K.
Identifiers: ClinVar variation 3005883 (VCV003005883.3), dbSNP rs929420354, ClinGen allele CA85725904.

ClinVar aggregate classification (germline): Uncertain significance (1 of 4 stars; one submission).

Allele frequency attached by ClinVar (database versions not stated): gnomAD exomes below 0.00001.
gnomAD v4.1: 1 of 1,614,110 alleles (0.000062%); highest among the groups gnomAD compares: Admixed American, 0.0017%; no homozygotes.

Submission:

Labcorp Genetics (formerly Invitae), Labcorp
Classification: Uncertain significance. Last evaluated: 2023-10-26. Review status: criteria provided, single submitter. Criteria: Invitae Variant Classification Sherloc (09022015). Collection method: clinical testing. Allele origin: germline.
Comment: This sequence change replaces asparagine, which is neutral and polar, with lysine, which is basic and polar, at codon 307 of the P2RY12 protein (p.Asn307Lys). This variant is present in population databases (no rsID available, gnomAD 0.003%). This variant has not been reported in the literature in individuals affected with P2RY12-related conditions. An algorithm developed to predict the effect of missense changes on protein structure and function (PolyPhen-2) suggests that this variant is likely to be tolerated. In summary, the available evidence is currently insufficient to determine the role of this variant in disease. Therefore, it has been classified as a Variant of Uncertain Significance.